The following is an entry in ClinVar:

NM_001039591.3(USP9X):c.1811A>G (p.Asn604Ser)

Gene: USP9X (ubiquitin specific peptidase 9 X-linked; plus strand). Cytogenetic location: Xp11.4.
Variant type: single nucleotide variant.
Coding change: c.1811A>G on transcript NM_001039591.3 (MANE Select); coding-DNA position 1811, A replaced by G.
Protein change: p.Asn604Ser; replaces asparagine 604 with serine.
Molecular consequence: missense variant.
Genome position (GRCh38, 1-based): chrX:41,152,995, A>G. VCF-style: chrX-41152995-A-G. GRCh37 (hg19) VCF-style: chrX-41012248-A-G.
Other names: c.1811A>G, p.Asn604Ser (NM_001039590.3); c.1826A>G, p.Asn609Ser (NM_001410748.1, NM_001410749.1); c.1811A>G (NM_001039590.2); short protein forms N609S, N604S.
Identifiers: ClinVar variation 3652057 (VCV003652057.3).

ClinVar aggregate classification (germline): Uncertain significance. Review status: criteria provided, multiple submitters, no conflicts (2 of 4 stars). 2 submissions from 2 submitters: Uncertain significance (2). Last evaluated 2026-08-04.

Conditions:
Inborn genetic diseases. Identifiers: MedGen C0950123, MeSH D030342.

Submissions (2):

Ambry Genetics
Classification: Uncertain significance for Inborn genetic diseases. Last evaluated: 2026-08-04. Review status: criteria provided, single submitter. Criteria: Ambry Variant Classification Scheme 2023. Collection method: clinical testing. Allele origin: germline.
Comment: The c.1811A>G (p.N604S) alteration is located in exon 14 (coding exon 13) of the USP9X gene. This alteration results from a A to G substitution at nucleotide position 1811, causing the asparagine (N) at amino acid position 604 to be replaced by a serine (S). Based on data from gnomAD, the G allele has an overall frequency of 0.001% (1/180674) total alleles studied. The highest observed frequency was 0.001% (1/81148) of European (non-Finnish) alleles. Based on insufficient or conflicting evidence, the clinical significance of this alteration remains unclear.

Labcorp Genetics (formerly Invitae), Labcorp
Classification: Uncertain significance. Last evaluated: 2024-09-11. Review status: criteria provided, single submitter. Criteria: Invitae Variant Classification Sherloc (09022015). Collection method: clinical testing. Allele origin: germline.
Comment: This sequence change replaces asparagine, which is neutral and polar, with serine, which is neutral and polar, at codon 604 of the USP9X protein (p.Asn604Ser). This variant is present in population databases (rs765295828, gnomAD 0.001%). This variant has not been reported in the literature in individuals affected with USP9X-related conditions. An algorithm developed to predict the effect of missense changes on protein structure and function (PolyPhen-2) suggests that this variant is likely to be tolerated. In summary, the available evidence is currently insufficient to determine the role of this variant in disease. Therefore, it has been classified as a Variant of Uncertain Significance.